The following is an entry in ClinVar:

ClinVar aggregate classification (germline): Uncertain significance (1 of 4 stars; one submission).

Conditions:
Hereditary cancer-predisposing syndrome. Also called: Neoplastic Syndromes, Hereditary; Tumor predisposition; Hereditary Cancer Syndrome; Hereditary neoplastic syndrome. Identifiers: Orphanet 140162, MedGen C0027672, MeSH D009386, MONDO:0015356.

Submission:

Ambry Genetics
Classification: Uncertain significance for Hereditary cancer-predisposing syndrome. Last evaluated: 2025-12-28. Review status: criteria provided, single submitter. Criteria: Ambry Variant Classification Scheme 2023. Collection method: clinical testing. Allele origin: germline.
Comment: The p.D576Y variant (also known as c.1726G>T), located in coding exon 14 of the POT1 gene, results from a G to T substitution at nucleotide position 1726. The aspartic acid at codon 576 is replaced by tyrosine, an amino acid with highly dissimilar properties. This amino acid position is conserved. In addition, this alteration is predicted to be tolerated by in silico analysis. Based on the available evidence, the clinical significance of this variant remains unclear.

NM_015450.3(POT1):c.1726G>T (p.Asp576Tyr)

Gene: POT1 (protection of telomeres 1; minus strand). Cytogenetic location: 7q31.33.
Variant type: single nucleotide variant.
Coding change: c.1726G>T on transcript NM_015450.3 (MANE Select); coding-DNA position 1726, G replaced by T.
Protein change: p.Asp576Tyr; replaces aspartic acid 576 with tyrosine.
Molecular consequence: missense variant. On other transcripts: non-coding transcript variant (3).
Genome position (GRCh38, 1-based): chr7:124,825,318, C>A on the plus strand (G>T on the coding strand, the complement: POT1 is on the minus strand). VCF-style: chr7-124825318-C-A. GRCh37 (hg19) VCF-style: chr7-124465372-C-A.
Other names: c.1333G>T, p.Asp445Tyr (NM_001042594.2); short protein forms D445Y, D576Y.
Identifiers: ClinVar variation 4842628 (VCV004842628.1).